The following is an entry in ClinVar:

ClinVar aggregate classification (germline): Uncertain significance (1 of 4 stars; one submission).

gnomAD v4.1: 1 of 1,557,792 alleles (0.000064%); highest among the groups gnomAD compares: Non-Finnish European, 0.000087%; no homozygotes.

Submission:

Labcorp Genetics (formerly Invitae), Labcorp
Classification: Uncertain significance. Last evaluated: 2024-10-08. Review status: criteria provided, single submitter. Criteria: Invitae Variant Classification Sherloc (09022015). Collection method: clinical testing. Allele origin: germline.
Comment: This sequence change replaces glycine, which is neutral and non-polar, with arginine, which is basic and polar, at codon 1588 of the DCHS1 protein (p.Gly1588Arg). This variant is not present in population databases (gnomAD no frequency). This variant has not been reported in the literature in individuals affected with DCHS1-related conditions. Invitae Evidence Modeling of protein sequence and biophysical properties (such as structural, functional, and spatial information, amino acid conservation, physicochemical variation, residue mobility, and thermodynamic stability) indicates that this missense variant is not expected to disrupt DCHS1 protein function with a negative predictive value of 80%. In summary, the available evidence is currently insufficient to determine the role of this variant in disease. Therefore, it has been classified as a Variant of Uncertain Significance.

NM_003737.4(DCHS1):c.4762G>C (p.Gly1588Arg)

Gene: DCHS1 (dachsous cadherin-related 1; minus strand). Cytogenetic location: 11p15.4.
Variant type: single nucleotide variant.
Coding change: c.4762G>C on transcript NM_003737.4 (MANE Select); coding-DNA position 4762, G replaced by C.
Protein change: p.Gly1588Arg; replaces glycine 1588 with arginine.
Molecular consequence: missense variant.
Genome position (GRCh38, 1-based): chr11:6,630,032, C>G on the plus strand (G>C on the coding strand, the complement: DCHS1 is on the minus strand). VCF-style: chr11-6630032-C-G. GRCh37 (hg19) VCF-style: chr11-6651263-C-G.
Other names: short protein forms G1588R.
Identifiers: ClinVar variation 3630058 (VCV003630058.2).